The following is an entry in ClinVar:

NM_000232.5(SGCB):c.274A>G (p.Ile92Val)

Gene: SGCB (sarcoglycan beta; minus strand). Cytogenetic location: 4q12.
Variant type: single nucleotide variant.
Coding change: c.274A>G on transcript NM_000232.5 (MANE Select); coding-DNA position 274, A replaced by G.
Protein change: p.Ile92Val; replaces isoleucine 92 with valine.
Molecular consequence: missense variant.
Genome position (GRCh38, 1-based): chr4:52,029,833, T>C on the plus strand (A>G on the coding strand, the complement: SGCB is on the minus strand). VCF-style: chr4-52029833-T-C. GRCh37 (hg19) VCF-style: chr4-52895999-T-C.
Other names: short protein forms I92V.
Identifiers: ClinVar variation 3719456 (VCV003719456.2).

ClinVar aggregate classification (germline): Uncertain significance (1 of 4 stars; one submission).

Conditions:
Autosomal recessive limb-girdle muscular dystrophy type 2E (LGMDR4). Also called: MUSCULAR DYSTROPHY, LIMB-GIRDLE, AUTOSOMAL RECESSIVE 4. Identifiers: Orphanet 119, MedGen C1858593, MONDO:0011423, OMIM 604286. Disease mechanism: Affects gamma-sarcoglycan and also disrupts the integrity of the entire sarcoglycan complex..

gnomAD v4.1: 2 of 1,613,900 alleles (0.00012%); highest among the groups gnomAD compares: Non-Finnish European, 0.00017%; no homozygotes.

Submission:

Labcorp Genetics (formerly Invitae), Labcorp
Classification: Uncertain significance for Autosomal recessive limb-girdle muscular dystrophy type 2E. Last evaluated: 2025-10-23. Review status: criteria provided, single submitter. Criteria: Invitae Variant Classification Sherloc (09022015). Collection method: clinical testing. Allele origin: germline.
Comment: This sequence change replaces isoleucine, which is neutral and non-polar, with valine, which is neutral and non-polar, at codon 92 of the SGCB protein (p.Ile92Val). This variant is not present in population databases (gnomAD no frequency). This variant has not been reported in the literature in individuals affected with SGCB-related conditions. ClinVar contains an entry for this variant (Variation ID: 3719456). Invitae Evidence Modeling of protein sequence and biophysical properties (such as structural, functional, and spatial information, amino acid conservation, physicochemical variation, residue mobility, and thermodynamic stability) indicates that this missense variant is not expected to disrupt SGCB protein function with a negative predictive value of 80%. This variant disrupts the p.Ile92 amino acid residue in SGCB. Other variant(s) that disrupt this residue have been determined to be pathogenic (PMID: 15938573, 16524571, 22095924, 25862795). This suggests that this residue is clinically significant, and that variants that disrupt this residue are likely to be disease-causing. In summary, the available evidence is currently insufficient to determine the role of this variant in disease. Therefore, it has been classified as a Variant of Uncertain Significance.

Literature cited by the submitters: PubMed 15938573; PubMed 16524571; PubMed 22095924; PubMed 25862795.